The following is an entry in ClinVar:

ClinVar aggregate classification (germline): Uncertain significance. Review status: criteria provided, multiple submitters, no conflicts (2 of 4 stars). 3 submissions from 3 submitters: Uncertain significance (3). Last evaluated 2025-10-13.

Conditions:
Hereditary cancer-predisposing syndrome. Also called: Hereditary neoplastic syndrome; Neoplastic Syndromes, Hereditary; Hereditary Cancer Syndrome; Tumor predisposition. Identifiers: Orphanet 140162, MedGen C0027672, MeSH D009386, MONDO:0015356.
Ataxia-telangiectasia syndrome (AT). Also called: AT, COMPLEMENTATION GROUP C; Cerebello-oculocutaneous telangiectasia; Immunodeficiency with ataxia telangiectasia; Ataxia-telangiectasia, complementation group D; ATAXIA-TELANGIECTASIA, FRESNO VARIANT; Ataxia-telangiectasia, complementation group E. Identifiers: Orphanet 100, MedGen C0004135, MONDO:0008840, OMIM 208900.

Allele frequency attached by ClinVar (database versions not stated): TOPMed below 0.00001; gnomAD 0.00001.
gnomAD v4.1: 1 of 1,613,646 alleles (0.000062%); highest among the groups gnomAD compares: Non-Finnish European, 0.000085%; no homozygotes.

Submissions (3):

Labcorp Genetics (formerly Invitae), Labcorp
Classification: Uncertain significance for Ataxia-telangiectasia syndrome. Last evaluated: 2025-10-13. Review status: criteria provided, single submitter. Criteria: Invitae Variant Classification Sherloc (09022015). Collection method: clinical testing. Allele origin: germline.
Comment: This sequence change replaces isoleucine, which is neutral and non-polar, with valine, which is neutral and non-polar, at codon 1740 of the ATM protein (p.Ile1740Val). This variant is not present in population databases (gnomAD no frequency). This missense change has been observed in individual(s) with breast cancer (PMID: 30287823). ClinVar contains an entry for this variant (Variation ID: 570575). Invitae Evidence Modeling of protein sequence and biophysical properties (such as structural, functional, and spatial information, amino acid conservation, physicochemical variation, residue mobility, and thermodynamic stability) indicates that this missense variant is not expected to disrupt ATM protein function with a negative predictive value of 95%. In summary, the available evidence is currently insufficient to determine the role of this variant in disease. Therefore, it has been classified as a Variant of Uncertain Significance.

Ambry Genetics
Classification: Uncertain significance for Hereditary cancer-predisposing syndrome. Last evaluated: 2023-08-24. Review status: criteria provided, single submitter. Criteria: Ambry Variant Classification Scheme 2023. Collection method: clinical testing. Allele origin: germline.
Comment: The p.I1740V variant (also known as c.5218A>G), located in coding exon 34 of the ATM gene, results from an A to G substitution at nucleotide position 5218. The isoleucine at codon 1740 is replaced by valine, an amino acid with highly similar properties. This alteration has been reported with a carrier frequency of 0.00014 in 7051 unselected breast cancer patients and 0.0001 in 12490 males controls of Japanese ancestry. This variant was not detected in 11241 female controls in the same study (Momozawa Y et al. Nat Commun, 2018 10;9:4083). This amino acid position is highly conserved in available vertebrate species. In addition, the in silico prediction for this alteration is inconclusive. Since supporting evidence is limited at this time, the clinical significance of this alteration remains unclear.

Color Diagnostics, LLC DBA Color Health
Classification: Uncertain significance for Hereditary cancer-predisposing syndrome. Last evaluated: 2022-11-16. Review status: criteria provided, single submitter. Criteria: ACMG Guidelines, 2015. Collection method: clinical testing. Allele origin: germline.
Comment: This missense variant replaces isoleucine with valine at codon 1740 of the ATM protein. Computational prediction suggests that this variant may not impact protein structure and function (internally defined REVEL score threshold <= 0.5, PMID: 27666373). To our knowledge, functional studies have not been reported for this variant. This variant has not been reported in individuals affected with ATM-related disorders in the literature. This variant has not been identified in the general population by the Genome Aggregation Database (gnomAD). The available evidence is insufficient to determine the role of this variant in disease conclusively. Therefore, this variant is classified as a Variant of Uncertain Significance.

Literature cited by the submitters: PubMed 30287823 (cited by Labcorp Genetics (formerly Invitae), Labcorp and Ambry Genetics).

NM_000051.4(ATM):c.5218A>G (p.Ile1740Val)

Gene: ATM (ATM serine/threonine kinase; plus strand). Cytogenetic location: 11q22.3.
Variant type: single nucleotide variant.
Coding change: c.5218A>G on transcript NM_000051.4 (MANE Select); coding-DNA position 5218, A replaced by G.
Protein change: p.Ile1740Val; replaces isoleucine 1740 with valine.
Molecular consequence: missense variant.
Genome position (GRCh38, 1-based): chr11:108,301,688, A>G. VCF-style: chr11-108301688-A-G. GRCh37 (hg19) VCF-style: chr11-108172415-A-G.
Other names: c.5218A>G, p.Ile1740Val (NM_001351834.2); short protein forms I1740V.
Identifiers: ClinVar variation 570575 (VCV000570575.13), dbSNP rs1358200819, ClinGen allele CA382542288.
Genomic context (GRCh38, chr11:108,301,688, plus strand): 5'-ATTTGAATTGTTTTTTTCAGTGTCAAAGTTCGATCAGCAGCTGTTACCTGTTTGAAAAAC[A>G]TTTTAGCCACAAAGACTGGACATAGTTTCTGGGAGATTTATAAGATGACAACAGATCCAA-3'
Protein context (NP_000042.3, residues 1730-1750): RSAAVTCLKN[Ile1740Val]LATKTGHSFW